The following is an entry in ClinVar:

NM_015599.3(PGM3):c.1459A>G (p.Lys487Glu)

Genes: DOP1A (DOP1 leucine zipper like protein A; plus strand), PGM3 (phosphoglucomutase 3; minus strand). Cytogenetic location: 6q14.1.
Variant type: single nucleotide variant.
Coding change: c.1459A>G on transcript NM_015599.3 (MANE Select); coding-DNA position 1459, A replaced by G.
Protein change: p.Lys487Glu; replaces lysine 487 with glutamic acid.
Molecular consequence: missense variant. On other transcripts: non-coding transcript variant (1).
Genome position (GRCh38, 1-based): chr6:83,170,385, T>C on the plus strand (A>G on the coding strand, the complement: PGM3 is on the minus strand). VCF-style: chr6-83170385-T-C. GRCh37 (hg19) VCF-style: chr6-83880104-T-C.
Other names: c.1543A>G, p.Lys515Glu (NM_001199917.2, NM_001367287.1); c.1216A>G, p.Lys406Glu (NM_001199918.2); c.1459A>G, p.Lys487Glu (NM_001199919.2); c.1336A>G, p.Lys446Glu (NM_001367286.1); short protein forms K446E, K487E, K515E, K406E.
Identifiers: ClinVar variation 961891 (VCV000961891.7), dbSNP rs199998117, ClinGen allele CA3906515.

ClinVar aggregate classification (germline): Uncertain significance (1 of 4 stars; one submission).

Conditions:
Immunodeficiency 23 (IMD23). Also called: IMMUNODEFICIENCY WITH HYPER IgE AND COGNITIVE IMPAIRMENT; IMMUNODEFICIENCY-VASCULITIS-MYOCLONUS SYNDROME. Identifiers: Orphanet 443811, MedGen C4014371, MONDO:0014353, OMIM 615816.

Allele frequency attached by ClinVar (database versions not stated): gnomAD exomes below 0.00001 and 0.00001; ExAC 0.00001; TOPMed 0.00001.
gnomAD v4.1: 7 of 1,614,150 alleles (0.00043%); highest among the groups gnomAD compares: Admixed American, 0.0017%; no homozygotes.

Submission:

Labcorp Genetics (formerly Invitae), Labcorp
Classification: Uncertain significance for Immunodeficiency 23. Last evaluated: 2022-07-06. Review status: criteria provided, single submitter. Criteria: Invitae Variant Classification Sherloc (09022015). Collection method: clinical testing. Allele origin: germline.
Comment: This sequence change replaces lysine, which is basic and polar, with glutamic acid, which is acidic and polar, at codon 515 of the PGM3 protein (p.Lys515Glu). This variant is present in population databases (rs199998117, gnomAD 0.006%). This variant has not been reported in the literature in individuals affected with PGM3-related conditions. ClinVar contains an entry for this variant (Variation ID: 961891). Algorithms developed to predict the effect of missense changes on protein structure and function are either unavailable or do not agree on the potential impact of this missense change (SIFT: "Deleterious"; PolyPhen-2: "Benign"; Align-GVGD: "Class C15"). In summary, the available evidence is currently insufficient to determine the role of this variant in disease. Therefore, it has been classified as a Variant of Uncertain Significance.